The following is an entry in ClinVar:

NM_000501.4(ELN):c.104G>A (p.Gly35Asp)

Gene: ELN (elastin; plus strand). Cytogenetic location: 7q11.23.
Variant type: single nucleotide variant.
Coding change: c.104G>A on transcript NM_000501.4 (MANE Select); coding-DNA position 104, G replaced by A.
Protein change: p.Gly35Asp; replaces glycine 35 with aspartic acid.
Molecular consequence: missense variant.
Genome position (GRCh38, 1-based): chr7:74,035,385, G>A. VCF-style: chr7-74035385-G-A. GRCh37 (hg19) VCF-style: chr7-73449715-G-A.
Other names: c.104G>A, p.Gly35Asp (NM_001081752.3, NM_001081753.3, NM_001081754.3 and 9 more transcripts); short protein forms G35D.
Identifiers: ClinVar variation 2572836 (VCV002572836.1), dbSNP rs782038454, ClinGen allele CA4292260.

ClinVar aggregate classification (germline): Uncertain significance (1 of 4 stars; one submission).

gnomAD v4.1: 1 of 1,613,954 alleles (0.000062%); highest among the groups gnomAD compares: Non-Finnish European, 0.000085%; no homozygotes.

Submission:

GeneDx
Classification: Uncertain significance. Last evaluated: 2023-01-12. Review status: criteria provided, single submitter. Criteria: GeneDx Variant Classification Process June 2021. Collection method: clinical testing. Allele origin: germline. Affected: yes.
Comment: Not observed at significant frequency in large population cohorts (gnomAD); In silico analysis supports that this missense variant has a deleterious effect on protein structure/function; Has not been previously published as pathogenic or benign to our knowledge